The following is an entry in ClinVar:

ClinVar aggregate classification (germline): Pathogenic (1 of 4 stars; one submission).

Conditions:
Autosomal recessive nonsyndromic hearing loss 3. Also called: NEUROSENSORY NONSYNDROMIC RECESSIVE DEAFNESS 3. Identifiers: Orphanet 90636, MedGen C1838263, MONDO:0010860, OMIM 600316.

Submission:

Institute of Rare Diseases, West China Hospital, Sichuan University
Classification: Pathogenic for Autosomal recessive nonsyndromic hearing loss 3. Last evaluated: 2025-01-09. Review status: criteria provided, single submitter. Criteria: ClinGen HL ACMG Specifications v1. Collection method: research. Allele origin: germline. Affected: yes.
Comment: PVS1;PM3;PM2_Supporting

NM_016239.4(MYO15A):c.3867dup

Gene: MYO15A (myosin XVA; plus strand). Cytogenetic location: 17p11.2.
Variant type: Duplication.
Coding change: c.3867dup on transcript NM_016239.4 (MANE Select); coding-DNA position 3867, one base duplicated (G; older notation c.3867dupG).
Molecular consequence: splice acceptor variant.
Genome position (GRCh38, 1-based): chr17:18,126,791, G duplicated; the last of 2 consecutive G bases (chr17:18,126,790-18,126,791); duplicating either gives the same sequence. VCF-style (leftmost placement, unchanged base first): chr17-18126789-A-AG. GRCh37 (hg19) VCF-style: chr17-18030103-A-AG.
Identifiers: ClinVar variation 3601327 (VCV003601327.1).